The following is an entry in ClinVar:

ClinVar aggregate classification (germline): Uncertain significance (1 of 4 stars; one submission).

gnomAD v4.1: 4 of 1,613,970 alleles (0.00025%); highest among the groups gnomAD compares: Middle Eastern, 0.017%; no homozygotes.

Submission:

CeGaT Center for Human Genetics Tuebingen
Classification: Uncertain significance. Last evaluated: 2026-04-01. Review status: criteria provided, single submitter. Criteria: CeGaT Center For Human Genetics Tuebingen Variant Classification Criteria Version 2. Collection method: clinical testing. Allele origin: germline. Affected: yes. Observed: 1 variant allele.
Comment: RPS6KC1: PM2

NM_012424.6(RPS6KC1):c.2026G>C (p.Ala676Pro)

Gene: RPS6KC1 (ribosomal protein S6 kinase C1; plus strand). Cytogenetic location: 1q32.3.
Variant type: single nucleotide variant.
Coding change: c.2026G>C on transcript NM_012424.6 (MANE Select); coding-DNA position 2026, G replaced by C.
Protein change: p.Ala676Pro; replaces alanine 676 with proline.
Molecular consequence: missense variant. On other transcripts: non-coding transcript variant (4).
Genome position (GRCh38, 1-based): chr1:213,241,502, G>C. VCF-style: chr1-213241502-G-C. GRCh37 (hg19) VCF-style: chr1-213414845-G-C.
Other names: c.1483G>C, p.Ala495Pro (NM_001349649.2, NM_001349650.2, NM_001349651.2 and 4 more transcripts); c.1390G>C, p.Ala464Pro (NM_001349654.2, NM_001287218.3, NM_001287219.3); c.1135G>C, p.Ala379Pro (NM_001349657.2, NM_001349658.2); c.970G>C, p.Ala324Pro (NM_001349659.2, NM_001349660.2, NM_001349661.2 and 1 more transcripts); c.631G>C, p.Ala211Pro (NM_001349670.2, NM_001349671.2, NM_001349672.2 and 8 more transcripts); c.1990G>C, p.Ala664Pro (NM_001136138.4); c.1933G>C, p.Ala645Pro (NM_001349646.2); c.1663G>C, p.Ala555Pro (NM_001349647.2); short protein forms A211P, A324P, A379P, A464P, A495P, A555P, A645P, A664P.
Identifiers: ClinVar variation 4872898 (VCV004872898.2).
Genomic context (GRCh38, chr1:213,241,502, plus strand): 5'-GCTCAGGACACCATTAGCAGGGGCTCAGATGACTCAGTGCCAGTTATTTCATTTAAAGAT[G>C]CTGCTTTTGATGATGTCAGTGGTACTGATGAAGGAAGACCTGATCTTCTTGTAAATTTAC-3'
Protein context (NP_036556.2, residues 666-686): DSVPVISFKD[Ala676Pro]AFDDVSGTDE